The following is an entry in ClinVar:

NM_000322.5(PRPH2):c.709G>A (p.Asp237Asn)

Gene: PRPH2 (peripherin 2; minus strand). Cytogenetic location: 6p21.1.
Variant type: single nucleotide variant.
Coding change: c.709G>A on transcript NM_000322.5 (MANE Select); coding-DNA position 709, G replaced by A.
Protein change: p.Asp237Asn; replaces aspartic acid 237 with asparagine.
Molecular consequence: missense variant.
Genome position (GRCh38, 1-based): chr6:42,704,484, C>T on the plus strand (G>A on the coding strand, the complement: PRPH2 is on the minus strand). VCF-style: chr6-42704484-C-T. GRCh37 (hg19) VCF-style: chr6-42672222-C-T.
Other names: short protein forms D237N.
Identifiers: ClinVar variation 3026171 (VCV003026171.24), dbSNP rs761932874, ClinGen allele CA364135190.
Genomic context (GRCh38, chr6:42,704,484, plus strand): 5'-AGCTCAGCAGGGCAGCCCTGCAGCCACGCACCCACAGGTTGAGCTCCTCCGTCTGGTGGT[C>T]GTAACTGTAGTGTGCTGAGTTGTTGGTGATCTGATACTGGATGCAGGGCCGTGGCGAGCT-3'
Protein context (NP_000313.2, residues 227-247): ITNNSAHYSY[Asp237Asn]HQTEELNLWV

ClinVar aggregate classification (germline): Uncertain significance. Review status: criteria provided, multiple submitters, no conflicts (2 of 4 stars). 2 submissions from 2 submitters: Uncertain significance (2). Last evaluated 2024-09-05.

Conditions:
PRPH2-related disorder. Also called: PRPH2-related condition; PRPH2-related disorders. Identifiers: MedGen CN239395.

Submissions (2):

Labcorp Genetics (formerly Invitae), Labcorp
Classification: Uncertain significance for PRPH2-related disorder. Last evaluated: 2024-09-05. Review status: criteria provided, single submitter. Criteria: Invitae Variant Classification Sherloc (09022015). Collection method: clinical testing. Allele origin: germline.
Comment: This sequence change replaces aspartic acid, which is acidic and polar, with asparagine, which is neutral and polar, at codon 237 of the PRPH2 protein (p.Asp237Asn). This variant is not present in population databases (gnomAD no frequency). This variant has not been reported in the literature in individuals affected with PRPH2-related conditions. Invitae Evidence Modeling of protein sequence and biophysical properties (such as structural, functional, and spatial information, amino acid conservation, physicochemical variation, residue mobility, and thermodynamic stability) indicates that this missense variant is expected to disrupt PRPH2 protein function with a positive predictive value of 80%. In summary, the available evidence is currently insufficient to determine the role of this variant in disease. Therefore, it has been classified as a Variant of Uncertain Significance.

CeGaT Center for Human Genetics Tuebingen
Classification: Uncertain significance. Last evaluated: 2024-01-01. Review status: criteria provided, single submitter. Criteria: CeGaT Center For Human Genetics Tuebingen Variant Classification Criteria Version 2. Collection method: clinical testing. Allele origin: germline. Affected: yes. Observed: 1 variant allele.
Comment: PRPH2: PM2